The following is an entry in ClinVar:

ClinVar aggregate classification (germline): Uncertain significance (1 of 4 stars; one submission).

Conditions:
Bloom syndrome (BLM). Also called: Bloom-Torre-Machacek syndrome. Identifiers: Orphanet 125, MedGen C0005859, MONDO:0008876, OMIM 210900.

Submission:

Labcorp Genetics (formerly Invitae), Labcorp
Classification: Uncertain significance for Bloom syndrome. Last evaluated: 2025-02-16. Review status: criteria provided, single submitter. Criteria: Invitae Variant Classification Sherloc (09022015). Collection method: clinical testing. Allele origin: germline.
Comment: This sequence change falls in intron 2 of the BLM gene. It does not directly change the encoded amino acid sequence of the BLM protein. It affects a nucleotide within the consensus splice site. This variant is not present in population databases (gnomAD no frequency). This variant has not been reported in the literature in individuals affected with BLM-related conditions. Variants that disrupt the consensus splice site are a relatively common cause of aberrant splicing (PMID: 17576681, 9536098). Algorithms developed to predict the effect of sequence changes on RNA splicing suggest that this variant may disrupt the consensus splice site. In summary, the available evidence is currently insufficient to determine the role of this variant in disease. Therefore, it has been classified as a Variant of Uncertain Significance.

Literature cited by the submitters: PubMed 17576681; PubMed 9536098.

NM_000057.4(BLM):c.98+6T>C

Gene: BLM (BLM RecQ like helicase; plus strand). Cytogenetic location: 15q26.1.
Variant type: single nucleotide variant.
Coding change: c.98+6T>C on transcript NM_000057.4 (MANE Select); 6 bases into the intron after coding-DNA position 98, T replaced by C.
Molecular consequence: intron variant.
Genome position (GRCh38, 1-based): chr15:90,747,496, T>C. VCF-style: chr15-90747496-T-C. GRCh37 (hg19) VCF-style: chr15-91290726-T-C.
Other names: c.98+6T>C (NM_001287246.2, NM_001287247.2); c.-1194+6T>C (NM_001287248.2).
Identifiers: ClinVar variation 4713167 (VCV004713167.1).
Genomic context (GRCh38, chr15:90,747,496, plus strand): 5'-GTCACTCAGCCAGAACACTTAATAATAAATTAAGTCTTTCAAAACCAAAATTTTCGTAAG[T>C]GTTTTGACTGGTTTGCTGTCACATAGGCACTAACTTACCACATTGTACACATGAGATATC-3'